The following is an entry in ClinVar:

ClinVar aggregate classification (germline): Conflicting classifications of pathogenicity. Review status: criteria provided, conflicting classifications (1 of 4 stars). 2 submissions from 2 submitters: Uncertain significance (1); Likely benign (1). Last evaluated 2025-12-01.

Conditions:
Inborn genetic diseases. Identifiers: MedGen C0950123, MeSH D030342.

gnomAD v4.1: 3,503 of 1,608,730 alleles (0.22%); highest among the groups gnomAD compares: Non-Finnish European, 0.28%; 7 homozygotes.

Submissions (2):

CeGaT Center for Human Genetics Tuebingen
Classification: Likely benign. Last evaluated: 2025-12-01. Review status: criteria provided, single submitter. Criteria: CeGaT Center For Human Genetics Tuebingen Variant Classification Criteria Version 2. Collection method: clinical testing. Allele origin: germline. Affected: yes. Observed: 2 variant alleles.
Comment: SNAPC4: BP4, BS2

Ambry Genetics
Classification: Uncertain significance for Inborn genetic diseases. Last evaluated: 2025-11-13. Review status: criteria provided, single submitter. Criteria: Ambry Variant Classification Scheme 2023. Collection method: clinical testing. Allele origin: germline.

NM_003086.4(SNAPC4):c.2302G>A (p.Val768Ile)

Gene: SNAPC4 (small nuclear RNA activating complex polypeptide 4; minus strand). Cytogenetic location: 9q34.3.
Variant type: single nucleotide variant.
Coding change: c.2302G>A on transcript NM_003086.4 (MANE Select); coding-DNA position 2302, G replaced by A.
Protein change: p.Val768Ile; replaces valine 768 with isoleucine.
Molecular consequence: missense variant.
Genome position (GRCh38, 1-based): chr9:136,381,839, C>T on the plus strand (G>A on the coding strand, the complement: SNAPC4 is on the minus strand). VCF-style: chr9-136381839-C-T. GRCh37 (hg19) VCF-style: chr9-139276291-C-T.
Other names: c.2302G>A, p.Val768Ile (NM_001394201.1); c.2218G>A, p.Val740Ile (NM_001394202.1, NM_001394203.1); c.2302G>A (NM_003086.2); short protein forms V740I, V768I.
Identifiers: ClinVar variation 4083721 (VCV004083721.8).